The following is an entry in ClinVar:

ClinVar aggregate classification (germline): Uncertain significance. Review status: criteria provided, multiple submitters, no conflicts (2 of 4 stars). 3 submissions from 3 submitters: Uncertain significance (2). 1 of the submissions does not count toward it. Last evaluated 2022-09-26.

Conditions:
Nemaline myopathy 2 (NEM2). Also called: Nemaline myopathy 2, autosomal recessive. Identifiers: MedGen C1850569, MONDO:0009725, OMIM 256030.

Allele frequency attached by ClinVar (database versions not stated): gnomAD 0.00001; TOPMed 0.00002.
gnomAD v4.1: 4 of 1,610,094 alleles (0.00025%); highest among the groups gnomAD compares: African/African-American, 0.0027%; no homozygotes.

Submissions (3):

Labcorp Genetics (formerly Invitae), Labcorp
Classification: Uncertain significance for Nemaline myopathy 2. Last evaluated: 2022-09-26. Review status: criteria provided, single submitter. Criteria: Invitae Variant Classification Sherloc (09022015). Collection method: clinical testing. Allele origin: germline.
Comment: This sequence change replaces lysine, which is basic and polar, with glutamine, which is neutral and polar, at codon 7627 of the NEB protein (p.Lys7627Gln). This variant is present in population databases (no rsID available, gnomAD 0.007%). This variant has not been reported in the literature in individuals affected with NEB-related conditions. ClinVar contains an entry for this variant (Variation ID: 956488). Algorithms developed to predict the effect of missense changes on protein structure and function are either unavailable or do not agree on the potential impact of this missense change (SIFT: "Deleterious"; PolyPhen-2: "Not Available"; Align-GVGD: "Class C0"). In summary, the available evidence is currently insufficient to determine the role of this variant in disease. Therefore, it has been classified as a Variant of Uncertain Significance.

Revvity Omics, Revvity
Classification: Uncertain significance. Last evaluated: 2019-04-08. Review status: criteria provided, single submitter. Criteria: ACMG Guidelines, 2015. Collection method: clinical testing. Allele origin: germline.

Natera, Inc.
Classification: Uncertain significance for Nemaline myopathy type 2. Last evaluated: 2020-11-11. Review status: no assertion criteria provided. Collection method: clinical testing. Allele origin: germline. Not counted in ClinVar's aggregate classification.

NM_001164508.2(NEB):c.22774A>C (p.Lys7592Gln)

Genes: NEB (nebulin; minus strand), RIF1 (replication timing regulatory factor 1; plus strand). Cytogenetic location: 2q23.3.
Variant type: single nucleotide variant.
Coding change: c.22774A>C on transcript NM_001164508.2 (MANE Select); coding-DNA position 22774, A replaced by C.
Protein change: p.Lys7592Gln; replaces lysine 7592 with glutamine.
Molecular consequence: missense variant.
Genome position (GRCh38, 1-based): chr2:151,518,344, T>G on the plus strand (A>C on the coding strand, the complement: NEB is on the minus strand). VCF-style: chr2-151518344-T-G. GRCh37 (hg19) VCF-style: chr2-152374858-T-G.
Other names: c.22774A>C, p.Lys7592Gln (NM_001164507.2); c.22879A>C, p.Lys7627Gln (NM_001271208.2); c.17671A>C, p.Lys5891Gln (NM_004543.5); short protein forms K7627Q, K5891Q, K7592Q.
Identifiers: ClinVar variation 956488 (VCV000956488.13), dbSNP rs903199022, ClinGen allele CA57620599.